The following is an entry in ClinVar:

ClinVar aggregate classification (germline): Uncertain significance (1 of 4 stars; one submission).

Conditions:
Perlman syndrome (PRLMNS). Identifiers: Orphanet 2849, MedGen C0796113, MONDO:0009965, OMIM 267000.

Submission:

Labcorp Genetics (formerly Invitae), Labcorp
Classification: Uncertain significance for Perlman syndrome. Last evaluated: 2022-09-23. Review status: criteria provided, single submitter. Criteria: Invitae Variant Classification Sherloc (09022015). Collection method: clinical testing. Allele origin: germline.
Comment: This sequence change replaces proline, which is neutral and non-polar, with alanine, which is neutral and non-polar, at codon 364 of the DIS3L2 protein (p.Pro364Ala). This variant is not present in population databases (gnomAD no frequency). This variant has not been reported in the literature in individuals affected with DIS3L2-related conditions. ClinVar contains an entry for this variant (Variation ID: 645990). Advanced modeling of protein sequence and biophysical properties (such as structural, functional, and spatial information, amino acid conservation, physicochemical variation, residue mobility, and thermodynamic stability) performed at Invitae indicates that this missense variant is not expected to disrupt DIS3L2 protein function. In summary, the available evidence is currently insufficient to determine the role of this variant in disease. Therefore, it has been classified as a Variant of Uncertain Significance.

NM_152383.5(DIS3L2):c.1090C>G (p.Pro364Ala)

Gene: DIS3L2 (DIS3 like 3'-5' exoribonuclease 2; plus strand). Cytogenetic location: 2q37.1.
Variant type: single nucleotide variant.
Coding change: c.1090C>G on transcript NM_152383.5 (MANE Select); coding-DNA position 1090, C replaced by G.
Protein change: p.Pro364Ala; replaces proline 364 with alanine.
Molecular consequence: missense variant. On other transcripts: non-coding transcript variant (2).
Genome position (GRCh38, 1-based): chr2:232,163,598, C>G. VCF-style: chr2-232163598-C-G. GRCh37 (hg19) VCF-style: chr2-233028308-C-G.
Other names: c.1090C>G, p.Pro364Ala (NM_001257281.2); short protein forms P364A.
Identifiers: ClinVar variation 645990 (VCV000645990.10), dbSNP rs1574918541, ClinGen allele CA351154455.
Genomic context (GRCh38, chr2:232,163,598, plus strand): 5'-TTCTCTGATTTCTCTTCAGAAGTTCTAGAATGTCTTCCTCAAGGCCTGCCATGGACAATT[C>G]CACCAGAGGAGTTCAGCAAGAGAAGGGATTTAAGGTAAGCACCTGAAACCCTTTAAGAAC-3'
Protein context (NP_689596.4, residues 354-374): CLPQGLPWTI[Pro364Ala]PEEFSKRRDL